The following is an entry in ClinVar:

NM_000552.5(VWF):c.5092G>A (p.Gly1698Ser)

Gene: VWF (von Willebrand factor; minus strand). Cytogenetic location: 12p13.31.
Variant type: single nucleotide variant.
Coding change: c.5092G>A on transcript NM_000552.5 (MANE Select); coding-DNA position 5092, G replaced by A.
Protein change: p.Gly1698Ser; replaces glycine 1698 with serine.
Molecular consequence: missense variant.
Genome position (GRCh38, 1-based): chr12:6,016,832, C>T on the plus strand (G>A on the coding strand, the complement: VWF is on the minus strand). VCF-style: chr12-6016832-C-T. GRCh37 (hg19) VCF-style: chr12-6125998-C-T.
Other names: short protein forms G1698S.
Identifiers: ClinVar variation 3572173 (VCV003572173.1).

ClinVar aggregate classification (germline): Uncertain significance (1 of 4 stars; one submission).

gnomAD v4.1: 11 of 1,613,980 alleles (0.00068%); highest among the groups gnomAD compares: African/African-American, 0.013%; no homozygotes.

Submission:

Quest Diagnostics Nichols Institute San Juan Capistrano
Classification: Uncertain significance. Last evaluated: 2024-11-12. Review status: criteria provided, single submitter. Criteria: Quest Diagnostics criteria. Collection method: clinical testing. Allele origin: unknown.
Comment: The VWF c.5092G>A (p.Gly1698Ser) variant has not been reported in individuals with VWF-related conditions in the published literature. The frequency of this variant in the general population, 0.000008 (2/251374 chromosomes (Genome Aggregation Database)), is uninformative in the assessment of its pathogenicity. Analysis of this variant using bioinformatics tools for the prediction of the effect of amino acid changes on protein structure and function yielded predictions that this variant is damaging. Based on the available information, we are unable to determine the clinical significance of this variant.